The following is an entry in ClinVar:

ClinVar aggregate classification (germline): Uncertain significance (1 of 4 stars; one submission).

Conditions:
Developmental and epileptic encephalopathy, 12 (DEE12). Identifiers: MedGen C3150988, MONDO:0013389, OMIM 613722.

Allele frequency attached by ClinVar (database versions not stated): gnomAD exomes 0.00001; TOPMed 0.00001.
gnomAD v4.1: 3 of 1,612,512 alleles (0.00019%); highest among the groups gnomAD compares: South Asian, 0.0033%; no homozygotes.

Submission:

Labcorp Genetics (formerly Invitae), Labcorp
Classification: Uncertain significance for Developmental and epileptic encephalopathy, 12. Last evaluated: 2022-01-05. Review status: criteria provided, single submitter. Criteria: Invitae Variant Classification Sherloc (09022015). Collection method: clinical testing. Allele origin: germline.
Comment: This sequence change replaces methionine, which is neutral and non-polar, with threonine, which is neutral and polar, at codon 246 of the PLCB1 protein (p.Met246Thr). This variant is not present in population databases (gnomAD no frequency). This variant has not been reported in the literature in individuals affected with PLCB1-related conditions. In summary, the available evidence is currently insufficient to determine the role of this variant in disease. Therefore, it has been classified as a Variant of Uncertain Significance. Algorithms developed to predict the effect of missense changes on protein structure and function (SIFT, PolyPhen-2, Align-GVGD) all suggest that this variant is likely to be tolerated.

NM_015192.4(PLCB1):c.737T>C (p.Met246Thr)

Gene: PLCB1 (phospholipase C beta 1; plus strand). Cytogenetic location: 20p12.3.
Variant type: single nucleotide variant.
Coding change: c.737T>C on transcript NM_015192.4 (MANE Select); coding-DNA position 737, T replaced by C.
Protein change: p.Met246Thr; replaces methionine 246 with threonine.
Molecular consequence: missense variant.
Genome position (GRCh38, 1-based): chr20:8,658,579, T>C. VCF-style: chr20-8658579-T-C. GRCh37 (hg19) VCF-style: chr20-8639226-T-C.
Other names: c.737T>C, p.Met246Thr (NM_182734.3); short protein forms M246T.
Identifiers: ClinVar variation 1956738 (VCV001956738.5), dbSNP rs915149176, ClinGen allele CA311676057.
Genomic context (GRCh38, chr20:8,658,579, plus strand): 5'-GGTTTTTCATTGTTTTTAGTGGTGCAAAAAGCAAACCATATCTTACCGTTGATCAGATGA[T>C]GGATTTTATCAACCTTAAGCAGCGAGATCCTCGGCTTAATGAAATACTTTATCCACCTCT-3'
Protein context (NP_056007.1, residues 236-256): SKPYLTVDQM[Met246Thr]DFINLKQRDP